The following is an entry in ClinVar:

NM_017780.4(CHD7):c.6377A>G (p.Asp2126Gly)

Gene: CHD7 (chromodomain helicase DNA binding protein 7; plus strand). Cytogenetic location: 8q12.2.
Variant type: single nucleotide variant.
Coding change: c.6377A>G on transcript NM_017780.4 (MANE Select); coding-DNA position 6377, A replaced by G.
Protein change: p.Asp2126Gly; replaces aspartic acid 2126 with glycine.
Molecular consequence: missense variant. On other transcripts: intron variant (1).
Genome position (GRCh38, 1-based): chr8:60,853,102, A>G. VCF-style: chr8-60853102-A-G. GRCh37 (hg19) VCF-style: chr8-61765661-A-G.
Other names: c.1717-9127A>G (NM_001316690.1); short protein forms D2126G.
Identifiers: ClinVar variation 3655127 (VCV003655127.2).

ClinVar aggregate classification (germline): Uncertain significance (1 of 4 stars; one submission).

Conditions:
CHARGE syndrome (CHARGE). Also called: Hittner Hirsch Kreh syndrome; CHARGE ASSOCIATION--COLOBOMA, HEART ANOMALY, CHOANAL ATRESIA, RETARDATION, GENITAL AND EAR ANOMALIES; Coloboma, heart anomaly, choanal atresia, retardation, genital and ear anomalies; CHARGE association; Hall-Hittner syndrome. Identifiers: Orphanet 138, MedGen C0265354, MONDO:0008965.

Submission:

Labcorp Genetics (formerly Invitae), Labcorp
Classification: Uncertain significance for CHARGE syndrome. Last evaluated: 2024-10-03. Review status: criteria provided, single submitter. Criteria: Invitae Variant Classification Sherloc (09022015). Collection method: clinical testing. Allele origin: germline.
Comment: This sequence change replaces aspartic acid, which is acidic and polar, with glycine, which is neutral and non-polar, at codon 2126 of the CHD7 protein (p.Asp2126Gly). This variant is not present in population databases (gnomAD no frequency). This variant has not been reported in the literature in individuals affected with CHD7-related conditions. Invitae Evidence Modeling of protein sequence and biophysical properties (such as structural, functional, and spatial information, amino acid conservation, physicochemical variation, residue mobility, and thermodynamic stability) indicates that this missense variant is not expected to disrupt CHD7 protein function with a negative predictive value of 95%. In summary, the available evidence is currently insufficient to determine the role of this variant in disease. Therefore, it has been classified as a Variant of Uncertain Significance.